The following is an entry in ClinVar:

NM_005475.3(SH2B3):c.115C>T (p.Arg39Trp)

Gene: SH2B3 (SH2B adaptor protein 3; plus strand). Cytogenetic location: 12q24.12.
Variant type: single nucleotide variant.
Coding change: c.115C>T on transcript NM_005475.3 (MANE Select); coding-DNA position 115, C replaced by T.
Protein change: p.Arg39Trp; replaces arginine 39 with tryptophan.
Molecular consequence: missense variant.
Genome position (GRCh38, 1-based): chr12:111,418,260, C>T. VCF-style: chr12-111418260-C-T. GRCh37 (hg19) VCF-style: chr12-111856064-C-T.
Other names: short protein forms R39W.
Identifiers: ClinVar variation 4630712 (VCV004630712.1).

ClinVar aggregate classification (germline): Uncertain significance (1 of 4 stars; one submission).

Conditions:
Inborn genetic diseases. Identifiers: MedGen C0950123, MeSH D030342.

Submission:

Ambry Genetics
Classification: Uncertain significance for Inborn genetic diseases. Last evaluated: 2025-10-13. Review status: criteria provided, single submitter. Criteria: Ambry Variant Classification Scheme 2023. Collection method: clinical testing. Allele origin: germline.
Comment: The p.R39W variant (also known as c.115C>T), located in coding exon 1 of the SH2B3 gene, results from a C to T substitution at nucleotide position 115. The arginine at codon 39 is replaced by tryptophan, an amino acid with dissimilar properties. This amino acid position is conserved. In addition, this alteration is predicted to be tolerated by in silico analysis. Based on the available evidence, the clinical significance of this variant remains unclear.